The following is an entry in ClinVar:

ClinVar aggregate classification (germline): Uncertain significance (1 of 4 stars; one submission).

Conditions:
Ehlers-Danlos syndrome, type 4 (EDSVASC). Also called: Ehlers-Danlos syndrome vascular type; Ehlers Danlos syndrome, ecchymotic type; Ehlers Danlos syndrome, arterial type; Ehlers Danlos syndrome, Sack-Barabas type; Ehlers-Danlos Syndrome Type IV. Identifiers: Orphanet 286, MedGen C0268338, MONDO:0017314, OMIM 130050.

Submission:

Labcorp Genetics (formerly Invitae), Labcorp
Classification: Uncertain significance for Ehlers-Danlos syndrome, type 4. Last evaluated: 2024-09-28. Review status: criteria provided, single submitter. Criteria: Invitae Variant Classification Sherloc (09022015). Collection method: clinical testing. Allele origin: germline.
Comment: This sequence change replaces glycine, which is neutral and non-polar, with glutamic acid, which is acidic and polar, at codon 1221 of the COL3A1 protein (p.Gly1221Glu). This variant is not present in population databases (gnomAD no frequency). This variant has not been reported in the literature in individuals affected with COL3A1-related conditions. Invitae Evidence Modeling of protein sequence and biophysical properties (such as structural, functional, and spatial information, amino acid conservation, physicochemical variation, residue mobility, and thermodynamic stability) indicates that this missense variant is not expected to disrupt COL3A1 protein function with a negative predictive value of 95%. In summary, the available evidence is currently insufficient to determine the role of this variant in disease. Therefore, it has been classified as a Variant of Uncertain Significance.

NM_000090.4(COL3A1):c.3662G>A (p.Gly1221Glu)

Gene: COL3A1 (collagen type III alpha 1 chain; plus strand). Cytogenetic location: 2q32.2.
Variant type: single nucleotide variant.
Coding change: c.3662G>A on transcript NM_000090.4 (MANE Select); coding-DNA position 3662, G replaced by A.
Protein change: p.Gly1221Glu; replaces glycine 1221 with glutamic acid.
Molecular consequence: missense variant.
Genome position (GRCh38, 1-based): chr2:189,009,060, G>A. VCF-style: chr2-189009060-G-A. GRCh37 (hg19) VCF-style: chr2-189873786-G-A.
Other names: short protein forms G1221E.
Identifiers: ClinVar variation 3617127 (VCV003617127.2).